The following is an entry in ClinVar:

NM_173076.3(ABCA12):c.3930C>T (p.Gly1310=)

Gene: ABCA12 (ATP binding cassette subfamily A member 12; minus strand). Cytogenetic location: 2q35.
Variant type: single nucleotide variant.
Coding change: c.3930C>T on transcript NM_173076.3 (MANE Select); coding-DNA position 3930, C replaced by T.
Protein change: p.Gly1310=; no amino-acid change (glycine 1310 retained).
Molecular consequence: synonymous variant. On other transcripts: non-coding transcript variant (1).
Genome position (GRCh38, 1-based): chr2:214,987,693, G>A on the plus strand (C>T on the coding strand, the complement: ABCA12 is on the minus strand). VCF-style: chr2-214987693-G-A. GRCh37 (hg19) VCF-style: chr2-215852417-G-A.
Other names: c.2976C>T, p.Gly992= (NM_015657.4).
Identifiers: ClinVar variation 791526 (VCV000791526.21), dbSNP rs145550325, ClinGen allele CA2091591.

ClinVar aggregate classification (germline): Conflicting classifications of pathogenicity. Review status: criteria provided, conflicting classifications (1 of 4 stars). 4 submissions from 4 submitters: Uncertain significance (1); Likely benign (3). Last evaluated 2026-01-25.

Conditions:
Congenital ichthyosis of skin. Identifiers: MedGen C0020758.

Allele frequency attached by ClinVar (database versions not stated): ESP Exome Variant Server 0.00015; gnomAD exomes 0.00026 and 0.00044; TOPMed 0.00026; gnomAD 0.00031; ExAC 0.00047.
gnomAD v4.1: 443 of 1,614,064 alleles (0.027%); highest among the groups gnomAD compares: Middle Eastern, 0.12%; no homozygotes.

Submissions (4):

Labcorp Genetics (formerly Invitae), Labcorp
Classification: Likely benign. Last evaluated: 2026-01-25. Review status: criteria provided, single submitter. Criteria: Invitae Variant Classification Sherloc (09022015). Collection method: clinical testing. Allele origin: germline.

CeGaT Center for Human Genetics Tuebingen
Classification: Likely benign. Last evaluated: 2025-04-01. Review status: criteria provided, single submitter. Criteria: CeGaT Center For Human Genetics Tuebingen Variant Classification Criteria Version 2. Collection method: clinical testing. Allele origin: germline. Affected: yes. Observed: 1 variant allele.
Comment: ABCA12: BP4, BP7

Blueprint Genetics
Classification: Likely benign. Last evaluated: 2024-11-08. Review status: criteria provided, single submitter. Criteria: ACMG Guidelines, 2015. Collection method: clinical testing. Allele origin: germline.

Illumina Laboratory Services, Illumina
Classification: Uncertain significance for Congenital ichthyosis of skin. Last evaluated: 2018-01-13. Review status: criteria provided, single submitter. Criteria: ICSL Variant Classification Criteria 13 December 2019. Collection method: clinical testing. Allele origin: germline.